The following is an entry in ClinVar:

ClinVar aggregate classification (germline): Uncertain significance (1 of 4 stars; one submission).

Conditions:
ALG1-congenital disorder of glycosylation. Also called: CONGENITAL DISORDER OF GLYCOSYLATION, TYPE Ik; CDG Ik; ALG1-CDG. Identifiers: Orphanet 79327, MedGen C2931005, MONDO:0012052, OMIM 608540.

Allele frequency attached by ClinVar (database versions not stated): TOPMed below 0.00001; gnomAD 0.00001.
gnomAD v4.1: 3 of 1,596,376 alleles (0.00019%); highest among the groups gnomAD compares: African/African-American, 0.004%; no homozygotes.

Submission:

Labcorp Genetics (formerly Invitae), Labcorp
Classification: Uncertain significance for ALG1-congenital disorder of glycosylation. Last evaluated: 2021-12-03. Review status: criteria provided, single submitter. Criteria: Invitae Variant Classification Sherloc (09022015). Collection method: clinical testing. Allele origin: germline.
Comment: This variant is not present in population databases (gnomAD no frequency). In summary, the available evidence is currently insufficient to determine the role of this variant in disease. Therefore, it has been classified as a Variant of Uncertain Significance. Advanced modeling of protein sequence and biophysical properties (such as structural, functional, and spatial information, amino acid conservation, physicochemical variation, residue mobility, and thermodynamic stability) performed at Invitae indicates that this missense variant is not expected to disrupt ALG1 protein function. This variant has not been reported in the literature in individuals affected with ALG1-related conditions. This sequence change replaces valine, which is neutral and non-polar, with methionine, which is neutral and non-polar, at codon 454 of the ALG1 protein (p.Val454Met).

NM_019109.5(ALG1):c.1360G>A (p.Val454Met)

Genes: EEF2KMT (eukaryotic elongation factor 2 lysine methyltransferase; minus strand), ALG1 (ALG1 chitobiosyldiphosphodolichol beta-mannosyltransferase; plus strand). Cytogenetic location: 16p13.3.
Variant type: single nucleotide variant.
Coding change: c.1360G>A on transcript NM_019109.5 (MANE Select); coding-DNA position 1360, G replaced by A.
Protein change: p.Val454Met; replaces valine 454 with methionine.
Molecular consequence: missense variant. On other transcripts: 3 prime UTR variant (3).
Genome position (GRCh38, 1-based): chr16:5,084,846, G>A. VCF-style: chr16-5084846-G-A. GRCh37 (hg19) VCF-style: chr16-5134847-G-A.
Other names: c.*786C>T (NM_001289029.2, NM_201400.4, NM_201598.4); c.1027G>A, p.Val343Met (NM_001330504.2); short protein forms V454M, V343M.
Identifiers: ClinVar variation 1436988 (VCV001436988.7), dbSNP rs1957095896, ClinGen allele CA394674995.